The following is an entry in ClinVar:

NM_000414.4(HSD17B4):c.2051C>G (p.Ala684Gly)

Gene: HSD17B4 (hydroxysteroid 17-beta dehydrogenase 4; plus strand). Cytogenetic location: 5q23.1.
Variant type: single nucleotide variant.
Coding change: c.2051C>G on transcript NM_000414.4 (MANE Select); coding-DNA position 2051, C replaced by G.
Protein change: p.Ala684Gly; replaces alanine 684 with glycine.
Molecular consequence: missense variant. On other transcripts: non-coding transcript variant (2).
Genome position (GRCh38, 1-based): chr5:119,536,480, C>G. VCF-style: chr5-119536480-C-G. GRCh37 (hg19) VCF-style: chr5-118872175-C-G.
Other names: c.2126C>G, p.Ala709Gly (NM_001199291.3); c.1997C>G, p.Ala666Gly (NM_001199292.2); c.1979C>G, p.Ala660Gly (NM_001292027.2, NM_001374498.1); c.1631C>G, p.Ala544Gly (NM_001292028.2); c.2042C>G, p.Ala681Gly (NM_001374497.1); c.1724C>G, p.Ala575Gly (NM_001374499.1); c.1610C>G, p.Ala537Gly (NM_001374500.1); c.1640C>G, p.Ala547Gly (NM_001374501.1, NM_001374502.1, NM_001374503.1); short protein forms A537G, A544G, A547G, A575G, A660G, A666G, A681G, A684G.
Identifiers: ClinVar variation 3355615 (VCV003355615.1).

ClinVar aggregate classification (germline): Uncertain significance (0 of 4 stars; one submission).

Conditions:
HSD17B4-related disorder. Also called: HSD17B4-related disorders; HSD17B4-related condition.

gnomAD v4.1: 4 of 1,611,968 alleles (0.00025%); highest among the groups gnomAD compares: African/African-American, 0.0053%; no homozygotes.

Submission:

PreventionGenetics, part of Exact Sciences
Classification: Uncertain significance for HSD17B4-related condition. Last evaluated: 2024-03-21. Review status: no assertion criteria provided. Collection method: clinical testing. Allele origin: germline.
Comment: The HSD17B4 c.2051C>G variant is predicted to result in the amino acid substitution p.Ala684Gly. To our knowledge, this variant has not been reported in the literature. This variant is reported in 0.0062% of alleles in individuals of African descent in gnomAD. At this time, the clinical significance of this variant is uncertain due to the absence of conclusive functional and genetic evidence.